The following is an entry in ClinVar:

NM_001009944.3(PKD1):c.2431C>G (p.Leu811Val)

Gene: PKD1 (polycystin 1, transient receptor potential channel interacting; minus strand). Cytogenetic location: 16p13.3.
Variant type: single nucleotide variant.
Coding change: c.2431C>G on transcript NM_001009944.3 (MANE Select); coding-DNA position 2431, C replaced by G.
Protein change: p.Leu811Val; replaces leucine 811 with valine.
Molecular consequence: missense variant.
Genome position (GRCh38, 1-based): chr16:2,114,592, G>C on the plus strand (C>G on the coding strand, the complement: PKD1 is on the minus strand). VCF-style: chr16-2114592-G-C. GRCh37 (hg19) VCF-style: chr16-2164593-G-C.
Other names: c.2431C>G (NM_001009944.2); c.2431C>G, p.Leu811Val (NM_000296.4); short protein forms L811V.
Identifiers: ClinVar variation 997358 (VCV000997358.6), dbSNP rs137928037, ClinGen allele CA7833217.

ClinVar aggregate classification (germline): Conflicting classifications of pathogenicity. Review status: criteria provided, conflicting classifications (1 of 4 stars). 5 submissions from 5 submitters: Uncertain significance (1); Likely benign (2). 2 of the submissions do not count toward it. Last evaluated 2025-05-02.

Conditions:
Polycystic kidney disease. Also called: Kidney, Polycystic; Polycystic kidney dysplasia. Identifiers: MedGen C0022680, MeSH D007690, MONDO:0020642, HP:0000113.
PKD1-related disorder. Also called: PKD1-related condition.

Allele frequency attached by ClinVar (database versions not stated): 1000 Genomes Project 30x 0.00016; 1000 Genomes Project 0.00020; TOPMed 0.00029; gnomAD exomes 0.00058; ExAC 0.00089.
gnomAD v4.1: 432 of 1,591,980 alleles (0.027%); highest among the groups gnomAD compares: Middle Eastern, 0.18%; 2 homozygotes.

Submissions (5):

Women's Health and Genetics/Laboratory Corporation of America, LabCorp
Classification: Likely benign. Last evaluated: 2025-05-02. Review status: criteria provided, single submitter. Criteria: LabCorp Variant Classification Summary - May 2015. Collection method: clinical testing. Allele origin: germline.
Comment: Variant summary: PKD1 c.2431C>G (p.Leu811Val) results in a conservative amino acid change in the encoded protein sequence. Algorithms developed to predict the effect of missense changes on protein structure and function all suggest that this variant is likely to be tolerated. The variant allele was found at a frequency of 0.00027 in 1591980 control chromosomes, predominantly at a frequency of 0.0097 within the Ashkenazi Jewish subpopulation in the gnomAD database, including 2 homozygotes. The observed variant frequency within Ashkenazi Jewish control individuals in the gnomAD database exceeds the estimated maximal expected allele frequency for a pathogenic variant in PKD1 causing PKD1-Biallelic Autosomal Recessive Polycystic Kidney Disease phenotype. To our knowledge, no occurrence of c.2431C>G in individuals affected with PKD1-Biallelic Autosomal Recessive Polycystic Kidney Disease and no experimental evidence demonstrating its impact on protein function have been reported. ClinVar contains an entry for this variant (Variation ID: 997358). Based on the evidence outlined above, the variant was classified as likely benign.

Blueprint Genetics
Classification: Likely benign. Last evaluated: 2024-11-27. Review status: criteria provided, single submitter. Criteria: ACMG Guidelines, 2015. Collection method: clinical testing. Allele origin: germline.

Breakthrough Genomics
Classification: Uncertain significance. Review status: criteria provided, single submitter. Criteria: ACMG Guidelines, 2015. Collection method: not provided. Allele origin: germline. Inheritance: Autosomal dominant inheritance. Affected: yes.

PreventionGenetics, part of Exact Sciences
Classification: Likely benign for PKD1-related condition. Last evaluated: 2022-01-03. Review status: no assertion criteria provided. Collection method: clinical testing. Allele origin: germline. Not counted in ClinVar's aggregate classification.
Comment: This variant is classified as likely benign based on ACMG/AMP sequence variant interpretation guidelines (Richards et al. 2015 PMID: 25741868, with internal and published modifications).

Department of Pathology and Laboratory Medicine, Sinai Health System
Classification: Uncertain significance for Polycystic Kidney disease. Review status: no assertion criteria provided. Collection method: clinical testing. Allele origin: unknown. Affected: yes. Study: The Canadian Open Genetics Repository (COGR). Not counted in ClinVar's aggregate classification.
Comment: The PKD1 p.Leu811Val variant was not identified in the literature nor was it identified in the ClinVar, COGR, LOVD 3.0, or PKD1-LOVD databases. The variant was identified in dbSNP (ID: rs137928037) and the ADPKD Mutation Database (classified as likely neutral). The variant was identified in control databases in 128 of 238260 chromosomes at a frequency of 0.0005 in the following populations: Ashkenazi Jewish in 99 of 9520 chromosomes (freq. 0.01), European in 14 of 110872 chromosomes (freq. 0.0001), Latino in 10 of 32772 chromosomes (freq. 0.0003), Other in 4 of 5814 chromosomes (freq. 0.001), African in 1 of 20432 chromosomes (freq. 0.0001), increasing the likelihood that this may be a low frequency variant in certain populations of origin (Genome Aggregation Consortium Feb 27, 2017). The p.Leu811 residue is conserved in mammals but not in more distantly related organisms however four out of five computational analyses (PolyPhen-2, SIFT, AlignGVGD, BLOSUM, MutationTaster) do not suggest a high likelihood of impact to the protein; this information is not predictive enough to rule out pathogenicity. The variant occurs outside of the splicing consensus sequence and in silico or computational prediction software programs (SpliceSiteFinder, MaxEntScan, NNSPLICE, GeneSplicer, HumanSpliceFinder) do not predict a difference in splicing. In summary, based on the above information, the clinical significance of this variant cannot be determined with certainty at this time. This variant is classified as a variant of uncertain significance.